The following is an entry in ClinVar:

NM_024426.6(WT1):c.977G>C (p.Gly326Ala)

Gene: WT1 (WT1 transcription factor; minus strand). Cytogenetic location: 11p13.
Variant type: single nucleotide variant.
Coding change: c.977G>C on transcript NM_024426.6 (MANE Select); coding-DNA position 977, G replaced by C.
Protein change: p.Gly326Ala; replaces glycine 326 with alanine.
Molecular consequence: missense variant. On other transcripts: non-coding transcript variant (1), intron variant (2).
Genome position (GRCh38, 1-based): chr11:32,416,529, C>G on the plus strand (G>C on the coding strand, the complement: WT1 is on the minus strand). VCF-style: chr11-32416529-C-G. GRCh37 (hg19) VCF-style: chr11-32438075-C-G.
Other names: c.326G>C, p.Gly109Ala (NM_001198551.2); c.977G>C, p.Gly326Ala (NM_001407044.1, NM_001407046.1, NM_024424.5); c.854G>C, p.Gly285Ala (NM_001407047.1); c.215G>C, p.Gly72Ala (NM_001407051.1); c.965+1048G>C (NM_000378.6); c.314+1048G>C (NM_001198552.2); short protein forms G109A, G326A, G285A, G72A.
Identifiers: ClinVar variation 403610 (VCV000403610.20), dbSNP rs766054482, ClinGen allele CA5934315.

ClinVar aggregate classification (germline): Conflicting classifications of pathogenicity. Review status: criteria provided, conflicting classifications (1 of 4 stars). 9 submissions from 9 submitters: Uncertain significance (7); Likely benign (1). 1 of the submissions does not count toward it. Last evaluated 2025-06-02.

Conditions:
Frasier syndrome. Identifiers: Orphanet 347, MedGen C0950122, MeSH D052159, MONDO:0007635, OMIM 136680.
Wilms tumor 1 (WT1). Also called: Wilms tumor, somatic. Identifiers: Orphanet 654, MedGen CN033288, MONDO:0008679, OMIM 194070.
11p partial monosomy syndrome (WAGR). Also called: CHROMOSOME 11p13 DELETION SYNDROME; WAGR Spectrum Disorder; WAGR syndrome; WAGR Complex. Identifiers: Orphanet 893, MedGen C0206115, MONDO:0008681, OMIM 194072.
Drash syndrome (DDS). Also called: NEPHROPATHY, WILMS TUMOR, AND GENITAL ANOMALIES; WILMS TUMOR AND PSEUDO- OR TRUE HERMAPHRODITISM. Identifiers: Orphanet 220, MedGen C0950121, MONDO:0008682, OMIM 194080.
Inborn genetic diseases. Identifiers: MedGen C0950123, MeSH D030342.
Nephrotic syndrome, type 4 (NPHS4). Also called: Familial mesangial sclerosis; Nephrotic syndrome, early onset with diffuse mesangial sclerosis. Identifiers: Orphanet 656, MedGen C3151568, MONDO:0009733, OMIM 256370.

Allele frequency attached by ClinVar (database versions not stated): gnomAD exomes 0.00002 and 0.00001; ExAC 0.00001; gnomAD 0.00001; TOPMed 0.00001.
gnomAD v4.1: 21 of 1,614,046 alleles (0.0013%); highest among the groups gnomAD compares: Non-Finnish European, 0.0018%; no homozygotes.

Submissions (9):

Color Diagnostics, LLC DBA Color Health
Classification: Uncertain significance for Wilms tumor 1. Last evaluated: 2025-06-02. Review status: criteria provided, single submitter. Criteria: ACMG Guidelines, 2015. Collection method: clinical testing. Allele origin: germline.
Comment: This missense variant replaces glycine with alanine at codon 321 in the WT1 protein. Computational prediction suggests that this variant may not impact protein structure and function. To our knowledge, functional studies have not been reported for this variant. This variant has been reported in an individual affected with Wilms tumor (PMID: 9108089). This variant has been identified in 6/251094 chromosomes in the general population by the Genome Aggregation Database (gnomAD). The available evidence is insufficient to determine the role of this variant in disease conclusively. Therefore, this variant is classified as a Variant of Uncertain Significance.

Ambry Genetics
Classification: Uncertain significance for Inborn genetic diseases. Last evaluated: 2025-01-31. Review status: criteria provided, single submitter. Criteria: Ambry Variant Classification Scheme 2023. Collection method: clinical testing. Allele origin: germline.
Comment: The p.G321A variant (also known as c.962G>C), located in coding exon 5 of the WT1 gene, results from a G to C substitution at nucleotide position 962. The glycine at codon 321 is replaced by alanine, an amino acid with similar properties. This amino acid position is highly conserved in available vertebrate species. In addition, the in silico prediction for this alteration is inconclusive. Based on the available evidence, the clinical significance of this variant remains unclear.

Labcorp Genetics (formerly Invitae), Labcorp
Classification: Uncertain significance for Wilms tumor 1; Drash syndrome; 11p partial monosomy syndrome; Frasier syndrome. Last evaluated: 2024-12-03. Review status: criteria provided, single submitter. Criteria: Invitae Variant Classification Sherloc (09022015). Collection method: clinical testing. Allele origin: germline.
Comment: This sequence change replaces glycine, which is neutral and non-polar, with alanine, which is neutral and non-polar, at codon 321 of the WT1 protein (p.Gly321Ala). This variant is present in population databases (rs766054482, gnomAD 0.004%). This missense change has been observed in individual(s) with Wilms tumor (PMID: 9108089). This variant is also known as Gly253Ala. ClinVar contains an entry for this variant (Variation ID: 403610). Invitae Evidence Modeling of protein sequence and biophysical properties (such as structural, functional, and spatial information, amino acid conservation, physicochemical variation, residue mobility, and thermodynamic stability) has been performed for this missense variant. However, the output from this modeling did not meet the statistical confidence thresholds required to predict the impact of this variant on WT1 protein function. In summary, the available evidence is currently insufficient to determine the role of this variant in disease. Therefore, it has been classified as a Variant of Uncertain Significance.

All of Us Research Program, National Institutes of Health
Classification: Uncertain significance for Wilms tumor 1. Last evaluated: 2024-02-05. Review status: criteria provided, single submitter. Criteria: ACMG Guidelines, 2015. Collection method: clinical testing. Allele origin: germline. Inheritance: Autosomal dominant inheritance. Observed: 5 variant alleles, 5 heterozygotes.
Comment: This missense variant replaces glycine with alanine at codon 321 in the WT1 protein. Computational prediction suggests that this variant may not impact protein structure and function (internally defined REVEL score threshold <= 0.5, PMID: 27666373). To our knowledge, functional studies have not been reported for this variant. This variant has not been reported in individuals affected with hereditary cancer as a germline mutation in the literature. This variant has been identified in 6/251094 chromosomes in the general population by the Genome Aggregation Database (gnomAD). The available evidence is insufficient to determine the role of this variant in disease conclusively. Therefore, this variant is classified as a Variant of Uncertain Significance.

This study involves interpretation of variants in research participants for the purpose of population health screening. Participant phenotype was not available at the time of variant classification. Additional details can be found in publication PMID: 35346344, PMCID: PMC8962531

Blueprint Genetics
Classification: Likely benign. Last evaluated: 2023-09-20. Review status: criteria provided, single submitter. Criteria: ACMG Guidelines, 2015. Collection method: clinical testing. Allele origin: germline.

Baylor Genetics
Classification: Uncertain significance for Drash syndrome. Last evaluated: 2023-05-24. Review status: criteria provided, single submitter. Criteria: ACMG Guidelines, 2015. Collection method: clinical testing. Allele origin: unknown.

GeneDx
Classification: Uncertain significance. Last evaluated: 2022-07-11. Review status: criteria provided, single submitter. Criteria: GeneDx Variant Classification Process June 2021. Collection method: clinical testing. Allele origin: germline. Affected: yes.
Comment: In silico analysis supports that this missense variant does not alter protein structure/function; Observed in an individual with unilateral Wilms tumor (Schumacher et al., 1997); This variant is associated with the following publications: (PMID: 9108089, 17361230, 27462774)

Laboratory for Molecular Medicine, Mass General Brigham Personalized Medicine
Classification: Uncertain significance. Last evaluated: 2016-10-27. Review status: criteria provided, single submitter. Criteria: LMM Criteria. Collection method: clinical testing. Allele origin: germline.
Comment: Variant identified in a genome or exome case(s) and assessed due to predicted null impact of the variant or pathogenic assertions in the literature or databases. Disclaimer: This variant has not undergone full assessment. The following are preliminary notes: This variant is classified as DM in HGMD. It has been seen in one patient with Wilms Tumor. It is not classified in ClinVar. The Max MAF in ExAC is 0.002% (1/66600 chromosomes).

Bioscientia Institut fuer Medizinische Diagnostik GmbH, Sonic Healthcare
Classification: Uncertain significance for Nephrotic syndrome, type 4. Last evaluated: 2019-04-12. Review status: no assertion criteria provided. Collection method: clinical testing. Allele origin: germline. Affected: yes. Not counted in ClinVar's aggregate classification.

Literature cited by the submitters: PubMed 9108089 (cited by Color Diagnostics, LLC DBA Color Health and Labcorp Genetics (formerly Invitae), Labcorp).